The following is an entry in ClinVar:

ClinVar aggregate classification (germline): Benign (0 of 4 stars; one submission).

Conditions:
MUC16-related disorder. Also called: MUC16-related condition.

Allele frequency attached by ClinVar (database versions not stated): ESP Exome Variant Server 0.14410; TOPMed 0.16374; gnomAD exomes 0.18526; 1000 Genomes Project 30x 0.18691; 1000 Genomes Project 0.19010; ExAC 0.19561.

Submission:

PreventionGenetics, part of Exact Sciences
Classification: Benign for MUC16-related condition. Last evaluated: 2019-10-18. Review status: no assertion criteria provided. Collection method: clinical testing. Allele origin: germline.
Comment: This variant is classified as benign based on ACMG/AMP sequence variant interpretation guidelines (Richards et al. 2015 PMID: 25741868, with internal and published modifications).

NM_001401501.2(MUC16):c.5617C>T (p.Leu1873Phe)

Gene: MUC16 (mucin 16, cell surface associated; minus strand). Cytogenetic location: 19p13.2.
Variant type: single nucleotide variant.
Coding change: c.5617C>T on transcript NM_001401501.2 (MANE Select); coding-DNA position 5617, C replaced by T.
Protein change: p.Leu1873Phe; replaces leucine 1873 with phenylalanine.
Molecular consequence: missense variant.
Genome position (GRCh38, 1-based): chr19:8,975,642, G>A on the plus strand (C>T on the coding strand, the complement: MUC16 is on the minus strand). VCF-style: chr19-8975642-G-A. GRCh37 (hg19) VCF-style: chr19-9086318-G-A.
Other names: c.6043C>T, p.Leu2015Phe (NM_001414686.1); c.5497C>T, p.Leu1833Phe (NM_001414687.1, NM_024690.2); short protein forms L1833F, L1873F, L2015F.
Identifiers: ClinVar variation 3060364 (VCV003060364.2), dbSNP rs4520945, ClinGen allele CA9172622.